The following is an entry in ClinVar:

ClinVar aggregate classification (germline): Uncertain significance (1 of 4 stars; one submission).

Conditions:
Torsion dystonia 6 (DYT6). Also called: DYT-THAP1. Identifiers: Orphanet 98806, MedGen C1414216, MONDO:0011264, OMIM 602629.

Allele frequency attached by ClinVar (database versions not stated): gnomAD exomes 0.00001; ExAC 0.00002; gnomAD 0.00002; TOPMed 0.00002.
gnomAD v4.1: 6 of 1,613,904 alleles (0.00037%); highest among the groups gnomAD compares: East Asian, 0.013%; no homozygotes.

Submission:

Labcorp Genetics (formerly Invitae), Labcorp
Classification: Uncertain significance for Torsion dystonia 6. Last evaluated: 2022-07-11. Review status: criteria provided, single submitter. Criteria: Invitae Variant Classification Sherloc (09022015). Collection method: clinical testing. Allele origin: germline.
Comment: This sequence change falls in intron 2 of the THAP1 gene. It does not directly change the encoded amino acid sequence of the THAP1 protein. It affects a nucleotide within the consensus splice site. This variant is present in population databases (rs769370716, gnomAD 0.04%). This variant has not been reported in the literature in individuals affected with THAP1-related conditions. Variants that disrupt the consensus splice site are a relatively common cause of aberrant splicing (PMID: 17576681, 9536098). Algorithms developed to predict the effect of sequence changes on RNA splicing suggest that this variant may create or strengthen a splice site. In summary, the available evidence is currently insufficient to determine the role of this variant in disease. Therefore, it has been classified as a Variant of Uncertain Significance.

Literature cited by the submitters: PubMed 17576681; PubMed 9536098.

NM_018105.3(THAP1):c.267+4A>G

Gene: THAP1 (THAP domain containing 1; minus strand). Cytogenetic location: 8p11.21.
Variant type: single nucleotide variant.
Coding change: c.267+4A>G on transcript NM_018105.3 (MANE Select); 4 bases into the intron after coding-DNA position 267, A replaced by G.
Molecular consequence: intron variant.
Genome position (GRCh38, 1-based): chr8:42,839,182, T>C on the plus strand (A>G on the coding strand, the complement: THAP1 is on the minus strand). VCF-style: chr8-42839182-T-C. GRCh37 (hg19) VCF-style: chr8-42694325-T-C.
Other names: c.72-846A>G (NM_199003.2).
Identifiers: ClinVar variation 2185045 (VCV002185045.4), dbSNP rs769370716, ClinGen allele CA4734576.